The following is an entry in ClinVar:

NM_004994.3(MMP9):c.275A>G (p.Lys92Arg)

Gene: MMP9 (matrix metallopeptidase 9; plus strand). Cytogenetic location: 20q13.12.
Variant type: single nucleotide variant.
Coding change: c.275A>G on transcript NM_004994.3 (MANE Select); coding-DNA position 275, A replaced by G.
Protein change: p.Lys92Arg; replaces lysine 92 with arginine.
Molecular consequence: missense variant.
Genome position (GRCh38, 1-based): chr20:46,010,002, A>G. VCF-style: chr20-46010002-A-G. GRCh37 (hg19) VCF-style: chr20-44638641-A-G.
Other names: short protein forms K92R.
Identifiers: ClinVar variation 2864546 (VCV002864546.3), dbSNP rs1485098105, ClinGen allele CA409212036.
Genomic context (GRCh38, chr20:46,010,002, plus strand): 5'-TGCTTCTCCAGAAGCAACTGTCCCTGCCCGAGACCGGTGAGCTGGATAGCGCCACGCTGA[A>G]GGCCATGCGAACCCCACGGTGCGGGGTCCCAGACCTGGGCAGATTCCAAACCTTTGAGGG-3'
Protein context (NP_004985.2, residues 82-102): ETGELDSATL[Lys92Arg]AMRTPRCGVP

ClinVar aggregate classification (germline): Uncertain significance (1 of 4 stars; one submission).

Allele frequency attached by ClinVar (database versions not stated): gnomAD exomes below 0.00001.
gnomAD v4.1: 6 of 1,551,670 alleles (0.00039%); highest among the groups gnomAD compares: Non-Finnish European, 0.00052%; no homozygotes.

Submission:

Labcorp Genetics (formerly Invitae), Labcorp
Classification: Uncertain significance. Last evaluated: 2023-06-15. Review status: criteria provided, single submitter. Criteria: Invitae Variant Classification Sherloc (09022015). Collection method: clinical testing. Allele origin: germline.
Comment: This sequence change replaces lysine, which is basic and polar, with arginine, which is basic and polar, at codon 92 of the MMP9 protein (p.Lys92Arg). This variant is present in population databases (no rsID available, gnomAD 0.002%). This variant has not been reported in the literature in individuals affected with MMP9-related conditions. Advanced modeling of protein sequence and biophysical properties (such as structural, functional, and spatial information, amino acid conservation, physicochemical variation, residue mobility, and thermodynamic stability) performed at Invitae indicates that this missense variant is not expected to disrupt MMP9 protein function. In summary, the available evidence is currently insufficient to determine the role of this variant in disease. Therefore, it has been classified as a Variant of Uncertain Significance.